The following is an entry in ClinVar:

ClinVar aggregate classification (germline): Conflicting classifications of pathogenicity. Review status: criteria provided, conflicting classifications (1 of 4 stars). 5 submissions from 5 submitters: Likely pathogenic (2); Uncertain significance (2). 1 of the submissions does not count toward it. Last evaluated 2025-09-15.

Conditions:
AKR1D1-related disorder. Also called: AKR1D1-related condition.
Congenital bile acid synthesis defect 2 (CBAS2). Also called: CHOLESTASIS WITH DELTA(4)-3-OXOSTEROID 5-BETA-REDUCTASE DEFICIENCY. Identifiers: Orphanet 79303, MedGen C1856127, MONDO:0009339, OMIM 235555.

Allele frequency attached by ClinVar (database versions not stated): ExAC 0.00004; TOPMed 0.00006; ESP Exome Variant Server 0.00015; gnomAD exomes 0.00002.
gnomAD v4.1: 125 of 1,606,470 alleles (0.0078%); highest among the groups gnomAD compares: Non-Finnish European, 0.0093%; no homozygotes.

Submissions (5):

First Genomix Gene Laboratory, Genetic Diagnostics Department
Classification: Likely pathogenic for Congenital bile acid synthesis defect 2. Last evaluated: 2025-09-15. Review status: criteria provided, single submitter. Criteria: ACMG Guidelines, 2015. Collection method: clinical testing. Allele origin: germline. Inheritance: Autosomal recessive inheritance. Affected: no. Observed: 1 variant allele.

PreventionGenetics, part of Exact Sciences
Classification: Uncertain significance for AKR1D1-related condition. Last evaluated: 2024-10-14. Review status: criteria provided, single submitter. Criteria: ACMG Guidelines, 2015. Collection method: clinical testing. Allele origin: germline.
Comment: The AKR1D1 c.398C>G variant is predicted to result in the amino acid substitution p.Pro133Arg. This variant has been reported in compound heterozygous status in two sisters with cholestatic liver disease in infancy (Gonzales et al. 2004. PubMed ID: 15030995). Functional studies demonstrate that this variant results in deficient enzyme activity (Drury et al. 2010. PubMed ID: 20522910; Mindnich et al. 2010. PubMed ID: 21185810; Chen et al. 2015. PubMed ID: 26418565). This variant is reported in 0.0039% of alleles in individuals of European (Non-Finnish) descent in gnomAD. At this time, the clinical significance of this variant is uncertain due to the absence of conclusive functional and genetic evidence.

Fulgent Genetics
Classification: Likely pathogenic for Congenital bile acid synthesis defect 2. Last evaluated: 2024-01-24. Review status: criteria provided, single submitter. Criteria: ACMG Guidelines, 2015. Collection method: clinical testing. Allele origin: germline.

Labcorp Genetics (formerly Invitae), Labcorp
Classification: Uncertain significance. Last evaluated: 2022-09-07. Review status: criteria provided, single submitter. Criteria: Invitae Variant Classification Sherloc (09022015). Collection method: clinical testing. Allele origin: germline.
Comment: This sequence change replaces proline, which is neutral and non-polar, with arginine, which is basic and polar, at codon 133 of the AKR1D1 protein (p.Pro133Arg). This variant is present in population databases (rs267606649, gnomAD 0.005%). This missense change has been observed in individual(s) with ‚àÜ4-3-oxosteroid 5Œ≤-reductase deficiency (PMID: 15030995). ClinVar contains an entry for this variant (Variation ID: 5377). Algorithms developed to predict the effect of missense changes on protein structure and function are either unavailable or do not agree on the potential impact of this missense change (SIFT: "Tolerated"; PolyPhen-2: "Probably Damaging"; Align-GVGD: "Class C0"). Experimental studies have shown that this missense change affects AKR1D1 function (PMID: 20522910). In summary, the available evidence is currently insufficient to determine the role of this variant in disease. Therefore, it has been classified as a Variant of Uncertain Significance.

OMIM
Classification: Pathogenic for BILE ACID SYNTHESIS DEFECT, CONGENITAL, 2. Last evaluated: 2010-08-06. Review status: no assertion criteria provided. Collection method: literature only. Allele origin: germline. Not counted in ClinVar's aggregate classification.

Literature cited by the submitters: PubMed 15030995 (cited by Labcorp Genetics (formerly Invitae), Labcorp and OMIM); PubMed 20522910 (cited by Labcorp Genetics (formerly Invitae), Labcorp and OMIM).

NM_005989.4(AKR1D1):c.398C>G (p.Pro133Arg)

Gene: AKR1D1 (aldo-keto reductase family 1 member D1; plus strand). Cytogenetic location: 7q33.
Variant type: single nucleotide variant.
Coding change: c.398C>G on transcript NM_005989.4 (MANE Select); coding-DNA position 398, C replaced by G.
Protein change: p.Pro133Arg; replaces proline 133 with arginine.
Molecular consequence: missense variant.
Genome position (GRCh38, 1-based): chr7:138,097,885, C>G. VCF-style: chr7-138097885-C-G. GRCh37 (hg19) VCF-style: chr7-137782631-C-G.
Other names: c.398C>G, p.Pro133Arg (NM_001190906.2, NM_001190907.2); c.398C>G (NM_005989.3); short protein forms P133R.
Identifiers: ClinVar variation 5377 (VCV000005377.6), dbSNP rs267606649, ClinGen allele CA117468.